The following is an entry in ClinVar:

NM_015409.5(EP400):c.8386C>T (p.Pro2796Ser)

Gene: EP400 (E1A binding protein p400; plus strand). Cytogenetic location: 12q24.33.
Variant type: single nucleotide variant.
Coding change: c.8386C>T on transcript NM_015409.5 (MANE Select); coding-DNA position 8386, C replaced by T.
Protein change: p.Pro2796Ser; replaces proline 2796 with serine.
Molecular consequence: missense variant.
Genome position (GRCh38, 1-based): chr12:132,064,719, C>T. VCF-style: chr12-132064719-C-T. GRCh37 (hg19) VCF-style: chr12-132549264-C-T.
Other names: short protein forms P2796S.
Identifiers: ClinVar variation 719356 (VCV000719356.30), dbSNP rs140367312, ClinGen allele CA6887168.
Genomic context (GRCh38, chr12:132,064,719, plus strand): 5'-GTATTTTAGGAACACCTCATCAAAATGCAGAAGCAGAAACTGCAGATGCCCCCGCAGCCC[C>T]CACCGCCACAGGCCCAGTCTGCGCCCCCGCAGCCAACAGCCCAAGTGCAAGTGCAGACCT-3'
Protein context (NP_056224.3, residues 2786-2806): KQKLQMPPQP[Pro2796Ser]PPQAQSAPPQ

ClinVar aggregate classification (germline): Likely benign. Review status: criteria provided, multiple submitters, no conflicts (2 of 4 stars). 4 submissions from 4 submitters: Likely benign (3). 1 of the submissions does not count toward it. Last evaluated 2022-09-01.

Conditions:
EP400-related disorder. Also called: EP400-related condition.

Allele frequency attached by ClinVar (database versions not stated): gnomAD 0.00277 and 0.00249; gnomAD exomes 0.00357 and 0.00241; 1000 Genomes Project 30x 0.00031; 1000 Genomes Project 0.00040; TOPMed 0.00220; ExAC 0.00240; ESP Exome Variant Server 0.00361.
gnomAD v4.1: 5,532 of 1,613,616 alleles (0.34%); highest among the groups gnomAD compares: Non-Finnish European, 0.41%; 15 homozygotes.

Submissions (4):

CeGaT Center for Human Genetics Tuebingen
Classification: Likely benign. Last evaluated: 2022-09-01. Review status: criteria provided, single submitter. Criteria: CeGaT Center For Human Genetics Tuebingen Variant Classification Criteria Version 2. Collection method: clinical testing. Allele origin: germline. Affected: yes. Observed: 1 variant allele.
Comment: EP400: BP4, BS2

Labcorp Genetics (formerly Invitae), Labcorp
Classification: Likely benign. Last evaluated: 2019-12-31. Review status: criteria provided, single submitter. Criteria: Invitae Variant Classification Sherloc (09022015). Collection method: clinical testing. Allele origin: germline.

Breakthrough Genomics
Classification: Likely benign. Review status: criteria provided, single submitter. Criteria: ACMG Guidelines, 2015. Collection method: not provided. Allele origin: germline. Inheritance: Unknown mechanism. Affected: yes.

PreventionGenetics, part of Exact Sciences
Classification: Likely benign for EP400-related condition. Last evaluated: 2019-09-10. Review status: no assertion criteria provided. Collection method: clinical testing. Allele origin: germline. Not counted in ClinVar's aggregate classification.
Comment: This variant is classified as likely benign based on ACMG/AMP sequence variant interpretation guidelines (Richards et al. 2015 PMID: 25741868, with internal and published modifications).